The following is an entry in ClinVar:

ClinVar aggregate classification (germline): Benign (1 of 4 stars; one submission).

Conditions:
Familial adenomatous polyposis 1 (FAP1). Also called: POLYPOSIS, ADENOMATOUS INTESTINAL; FAMILIAL ADENOMATOUS POLYPOSIS 1, ATTENUATED. Identifiers: MedGen C2713442, MONDO:0021056, OMIM 175100. Disease mechanism: loss of function.

Submission:

Myriad Genetics, Inc.
Classification: Benign for Familial adenomatous polyposis 1. Last evaluated: 2024-04-09. Review status: criteria provided, single submitter. Criteria: Myriad Autosomal Dominant, Autosomal Recessive and X-Linked Classification Criteria (2023). Collection method: clinical testing. Allele origin: unknown.
Comment: This variant is considered benign. This variant is a silent/synonymous amino acid change and it is not expected to impact splicing.

NM_000038.6(APC):c.7398T>C (p.Ser2466=)

Gene: APC (APC regulator of Wnt signaling pathway; plus strand). Cytogenetic location: 5q22.2.
Variant type: single nucleotide variant.
Coding change: c.7398T>C on transcript NM_000038.6 (MANE Select); coding-DNA position 7398, T replaced by C.
Protein change: p.Ser2466=; no amino-acid change (serine 2466 retained).
Molecular consequence: synonymous variant. On other transcripts: non-coding transcript variant (2).
Genome position (GRCh38, 1-based): chr5:112,842,992, T>C. VCF-style: chr5-112842992-T-C. GRCh37 (hg19) VCF-style: chr5-112178689-T-C.
Other names: c.7398T>C, p.Ser2466= (NM_001127510.3, NM_001354895.2, NM_001407450.1); c.7344T>C, p.Ser2448= (NM_001127511.3); c.7452T>C, p.Ser2484= (NM_001354896.2, NM_001407447.1, NM_001407448.1 and 1 more transcripts); c.7428T>C, p.Ser2476= (NM_001354897.2); c.7323T>C, p.Ser2441= (NM_001354898.2); c.7314T>C, p.Ser2438= (NM_001354899.2); c.7275T>C, p.Ser2425= (NM_001354900.2); c.7221T>C, p.Ser2407= (NM_001354901.2, NM_001407453.1); and 11 more.
Identifiers: ClinVar variation 3253746 (VCV003253746.1), dbSNP rs1766465840.